The following is an entry in ClinVar:

NC_000023.10:g.(?_132670152)_(132670341_?)del

Gene: GPC3 (glypican 3; minus strand). Cytogenetic location: Xq26.2.
Variant type: Deletion.
Identifiers: ClinVar variation 3245624 (VCV003245624.1).

ClinVar aggregate classification (germline): Pathogenic (1 of 4 stars; one submission).

Conditions:
Wilms tumor 1 (WT1). Also called: Wilms tumor, somatic. Identifiers: Orphanet 654, MedGen CN033288, MONDO:0008679, OMIM 194070.

Submission:

Labcorp Genetics (formerly Invitae), Labcorp
Classification: Pathogenic for Wilms tumor 1. Last evaluated: 2023-12-08. Review status: criteria provided, single submitter. Criteria: Invitae Variant Classification Sherloc (09022015). Collection method: clinical testing. Allele origin: unknown.
Comment: This variant is a gross deletion of the genomic region encompassing exon(s) 8 of the GPC3 gene, which includes the termination codon. This deletion extends beyond the assayed region for this gene and therefore may encompass additional genes. While this deletion is not anticipated to lead to nonsense mediated decay, it is expected to alter mRNA translation or result in a truncated protein product. This variant has not been reported in the literature in individuals affected with GPC3-related conditions. This variant disrupts a region of the GPC3 protein in which other variant(s) (p.Gly556Arg) have been determined to be pathogenic (PMID: 29637653). This suggests that this is a clinically significant region of the protein, and that variants that disrupt it are likely to be disease-causing. For these reasons, this variant has been classified as Pathogenic.

Literature cited by the submitters: PubMed 29637653.